The following is an entry in ClinVar:

NM_206933.4(USH2A):c.7412T>G (p.Leu2471Arg)

Gene: USH2A (usherin; minus strand). Cytogenetic location: 1q41.
Variant type: single nucleotide variant.
Coding change: c.7412T>G on transcript NM_206933.4 (MANE Select); coding-DNA position 7412, T replaced by G.
Protein change: p.Leu2471Arg; replaces leucine 2471 with arginine.
Molecular consequence: missense variant.
Genome position (GRCh38, 1-based): chr1:215,900,794, A>C on the plus strand (T>G on the coding strand, the complement: USH2A is on the minus strand). VCF-style: chr1-215900794-A-C. GRCh37 (hg19) VCF-style: chr1-216074136-A-C.
Other names: short protein forms L2471R.
Identifiers: ClinVar variation 841653 (VCV000841653.9), dbSNP rs1290644032, ClinGen allele CA344849596.
Genomic context (GRCh38, chr1:215,900,794, plus strand): 5'-TGGACAAAGTAGAATGCTCACTCTAGAAATCCATGGGTGGAGTCGCCAGACCTCATCTGG[A>C]GTTGGTATCTGGGAGAGCCAGGAGCGTTATTACGAGCTGGTGTAGACCAGACAACCTGAA-3'
Protein context (NP_996816.3, residues 2461-2481): NNAPGSPRYQ[Leu2471Arg]QMRSGDSTHG

ClinVar aggregate classification (germline): Likely pathogenic (1 of 4 stars; one submission).

gnomAD v4.1: 1 of 1,613,748 alleles (0.000062%); highest among the groups gnomAD compares: Non-Finnish European, 0.000085%; no homozygotes.

Submission:

Labcorp Genetics (formerly Invitae), Labcorp
Classification: Likely pathogenic. Last evaluated: 2024-02-24. Review status: criteria provided, single submitter. Criteria: Invitae Variant Classification Sherloc (09022015). Collection method: clinical testing. Allele origin: germline.
Comment: This sequence change replaces leucine, which is neutral and non-polar, with arginine, which is basic and polar, at codon 2471 of the USH2A protein (p.Leu2471Arg). This variant is not present in population databases (gnomAD no frequency). This missense change has been observed in individual(s) with retinitis pigmentosa (Invitae). In at least one individual the data is consistent with being in trans (on the opposite chromosome) from a pathogenic variant. ClinVar contains an entry for this variant (Variation ID: 841653). Advanced modeling of protein sequence and biophysical properties (such as structural, functional, and spatial information, amino acid conservation, physicochemical variation, residue mobility, and thermodynamic stability) performed at Invitae indicates that this missense variant is expected to disrupt USH2A protein function with a positive predictive value of 95%. In summary, the currently available evidence indicates that the variant is pathogenic, but additional data are needed to prove that conclusively. Therefore, this variant has been classified as Likely Pathogenic.